The following is an entry in ClinVar:

ClinVar aggregate classification (germline): Pathogenic (1 of 4 stars; one submission).

Conditions:
Bifunctional peroxisomal enzyme deficiency (DBIF). Also called: DBP DEFICIENCY; PBFE DEFICIENCY; D-bifunctional protein deficiency. Identifiers: Orphanet 300, MedGen C0342870, MONDO:0009855, OMIM 261515. Disease mechanism: loss of function.
Perrault syndrome. Also called: Gonadal dysgenesis with auditory dysfunction, autosomal recessive inheritance. Identifiers: Orphanet 2855, MedGen C0685838, MONDO:0017312.

Submission:

Labcorp Genetics (formerly Invitae), Labcorp
Classification: Pathogenic for Perrault syndrome; Bifunctional peroxisomal enzyme deficiency. Last evaluated: 2023-06-09. Review status: criteria provided, single submitter. Criteria: Invitae Variant Classification Sherloc (09022015). Collection method: clinical testing. Allele origin: germline.
Comment: This variant is not present in population databases (gnomAD no frequency). This sequence change affects a donor splice site in intron 1 of the HSD17B4 gene. It is expected to disrupt RNA splicing. Variants that disrupt the donor or acceptor splice site typically lead to a loss of protein function (PMID: 16199547), and loss-of-function variants in HSD17B4 are known to be pathogenic (PMID: 11810648, 16385454, 20673864). Disruption of this splice site has been observed in individual(s) with D-bifunctional protein (DBP) deficiency (PMID: 27790638). In at least one individual the data is consistent with being in trans (on the opposite chromosome) from a pathogenic variant. It has also been observed to segregate with disease in related individuals. ClinVar contains an entry for this variant (Variation ID: 945823). Algorithms developed to predict the effect of sequence changes on RNA splicing suggest that this variant may disrupt the consensus splice site. For these reasons, this variant has been classified as Pathogenic.

Literature cited by the submitters: PubMed 16199547; PubMed 11810648; PubMed 16385454; PubMed 20673864; PubMed 27790638.

NM_000414.4(HSD17B4):c.58+1G>C

Genes: HSD17B4 (hydroxysteroid 17-beta dehydrogenase 4; plus strand), LOC129994460 (ATAC-STARR-seq lymphoblastoid active region 22989; plus strand). Cytogenetic location: 5q23.1.
Variant type: single nucleotide variant.
Coding change: c.58+1G>C on transcript NM_000414.4 (MANE Select); the canonical splice donor site of the intron after coding-DNA position 58, G replaced by C.
Molecular consequence: splice donor variant. On other transcripts: 5 prime UTR variant (7), non-coding transcript variant (1).
Genome position (GRCh38, 1-based): chr5:119,452,634, G>C. VCF-style: chr5-119452634-G-C. GRCh37 (hg19) VCF-style: chr5-118788329-G-C.
Other names: c.-120G>C (NM_001199291.3); c.-541G>C (NM_001292028.2, NM_001374501.1); c.-475G>C (NM_001374499.1); c.-668G>C (NM_001374500.1); c.-546G>C (NM_001374502.1); c.-611G>C (NM_001374503.1); c.-80+1G>C (NM_001292027.2); c.58+1G>C (NM_001374498.1, NM_001374497.1, NM_001199292.2).
Identifiers: ClinVar variation 945823 (VCV000945823.10), dbSNP rs1260517680, ClinGen allele CA360861754.